The following is an entry in ClinVar:

NM_206933.4(USH2A):c.8649T>C (p.Thr2883=)

Gene: USH2A (usherin; minus strand). Cytogenetic location: 1q41.
Variant type: single nucleotide variant.
Coding change: c.8649T>C on transcript NM_206933.4 (MANE Select); coding-DNA position 8649, T replaced by C.
Protein change: p.Thr2883=; no amino-acid change (threonine 2883 retained).
Molecular consequence: synonymous variant.
Genome position (GRCh38, 1-based): chr1:215,877,790, A>G on the plus strand (T>C on the coding strand, the complement: USH2A is on the minus strand). VCF-style: chr1-215877790-A-G. GRCh37 (hg19) VCF-style: chr1-216051132-A-G.
Other names: c.8649T>C (NM_206933.2).
Identifiers: ClinVar variation 3008987 (VCV003008987.4), dbSNP rs747499202, ClinGen allele CA1394551.

ClinVar aggregate classification (germline): Likely benign. Review status: criteria provided, multiple submitters, no conflicts (2 of 4 stars). 2 submissions from 2 submitters: Likely benign (2). Last evaluated 2025-08-27.

Conditions:
USH2A-related disorder. Also called: USH2A-related condition; USH2A-related disorders. Identifiers: MedGen CN239332.

Allele frequency attached by ClinVar (database versions not stated): gnomAD exomes 0.00001; ExAC 0.00008.
gnomAD v4.1: 18 of 1,613,794 alleles (0.0011%); highest among the groups gnomAD compares: Non-Finnish European, 0.0015%; no homozygotes.

Submissions (2):

PreventionGenetics, part of Exact Sciences
Classification: Likely benign for USH2A-related condition. Last evaluated: 2025-08-27. Review status: criteria provided, single submitter. Criteria: ACMG Guidelines, 2015. Collection method: clinical testing. Allele origin: germline.
Comment: This variant is classified as likely benign based on ACMG/AMP sequence variant interpretation guidelines (Richards et al. 2015 PMID: 25741868, with internal and published modifications).

Labcorp Genetics (formerly Invitae), Labcorp
Classification: Likely benign. Last evaluated: 2022-11-12. Review status: criteria provided, single submitter. Criteria: Invitae Variant Classification Sherloc (09022015). Collection method: clinical testing. Allele origin: germline.